The following is an entry in ClinVar:

ClinVar aggregate classification (germline): Pathogenic (1 of 4 stars; one submission).

Conditions:
Seizures, benign familial infantile, 3 (BFIS3). Also called: CONVULSIONS, BENIGN FAMILIAL INFANTILE, 3; Familial neonatal seizures. Identifiers: Orphanet 140927, Orphanet 306, MedGen C1843140, MONDO:0011904, OMIM 607745.
Developmental and epileptic encephalopathy, 11 (DEE11). Also called: Early infantile epileptic encephalopathy 11. Identifiers: Orphanet 1934, MedGen C3150987, MONDO:0013388, OMIM 613721.

Submission:

Labcorp Genetics (formerly Invitae), Labcorp
Classification: Pathogenic for Seizures, benign familial infantile, 3; Developmental and epileptic encephalopathy, 11. Last evaluated: 2023-04-03. Review status: criteria provided, single submitter. Criteria: Invitae Variant Classification Sherloc (09022015). Collection method: clinical testing. Allele origin: germline.
Comment: For these reasons, this variant has been classified as Pathogenic. This variant has not been reported in the literature in individuals affected with SCN2A-related conditions. This variant is not present in population databases (gnomAD no frequency). This sequence change creates a premature translational stop signal (p.Asn503Thrfs*30) in the SCN2A gene. It is expected to result in an absent or disrupted protein product. Loss-of-function variants in SCN2A are known to be pathogenic (PMID: 28379373).

Literature cited by the submitters: PubMed 28379373.

NM_001040142.2(SCN2A):c.1508del (p.Asn503fs)

Gene: SCN2A (sodium voltage-gated channel alpha subunit 2; plus strand). Cytogenetic location: 2q24.3.
Variant type: Deletion.
Coding change: c.1508del on transcript NM_001040142.2 (MANE Select); coding-DNA position 1508, one base deleted (A; older notation c.1508delA).
Protein change: p.Asn503fs; shifts the reading frame from asparagine 503.
Molecular consequence: frameshift variant.
Genome position (GRCh38, 1-based): chr2:165,315,595, A deleted; the last of 5 consecutive A bases (chr2:165,315,591-165,315,595); deleting any one gives the same sequence. VCF-style (leftmost placement, unchanged base first): chr2-165315590-GA-G. GRCh37 (hg19) VCF-style: chr2-166172100-GA-G.
Other names: c.1508del, p.Asn503fs (NM_001371246.1, NM_001371247.1, NM_021007.3 and 1 more transcripts); short protein forms N503fs.
Identifiers: ClinVar variation 2946097 (VCV002946097.3), dbSNP rs2467908837, ClinGen allele CA2740095809.
Genomic context (GRCh38, chr2:165,315,590, plus strand): 5'-AGTTTTTTCAGAGAGTTCTTCAGTAGCATCTAAGTTGAGCTCCAAAAGTGAAAAAGAGCT[GA>G]AAAACAGAAGAAAGAAAAAGAAACAGAAAGAACAGTCTGGAGAAGAAGAGAAAAATGACA-3'